The following is an entry in ClinVar:

ClinVar aggregate classification (germline): Pathogenic/Likely pathogenic. Review status: criteria provided, multiple submitters, no conflicts (2 of 4 stars). 3 submissions from 3 submitters: Pathogenic (2); Likely pathogenic (1). Last evaluated 2026-05-04.

Conditions:
Cardiovascular phenotype. Identifiers: MedGen CN230736.
Charcot-Marie-Tooth disease type 2. Also called: Charcot-Marie-Tooth type 2. Identifiers: Orphanet 64746, MedGen C0270914, MONDO:0018993.
Primary dilated cardiomyopathy (DCM). Also called: Dilated Cardiomyopathy. Identifiers: Orphanet 217604, MedGen C0007193, MeSH D002311, MONDO:0005021, HP:0001644. Inheritance: Various modes of inheritance.

Submissions (3):

Ambry Genetics
Classification: Pathogenic for Cardiovascular phenotype. Last evaluated: 2026-05-04. Review status: criteria provided, single submitter. Criteria: Ambry Variant Classification Scheme 2023. Collection method: clinical testing. Allele origin: germline.
Comment: The p.E262* pathogenic mutation (also known as c.784G>T), located in coding exon 4 of the LMNA gene, results from a G to T substitution at nucleotide position 784. This changes the amino acid from a glutamic acid to a stop codon within coding exon 4. This variant was reported in individual(s) with features consistent with LMNA-related laminopathy (Kim Y et al. Circ Genom Precis Med, 2023 Oct;16:452-461). This variant is considered to be rare based on population cohorts in the Genome Aggregation Database (gnomAD). This alteration is expected to result in loss of function by premature protein truncation or nonsense-mediated mRNA decay. As such, this alteration is interpreted as a disease-causing mutation.

Labcorp Genetics (formerly Invitae), Labcorp
Classification: Pathogenic for Charcot-Marie-Tooth disease type 2. Last evaluated: 2023-07-19. Review status: criteria provided, single submitter. Criteria: Invitae Variant Classification Sherloc (09022015). Collection method: clinical testing. Allele origin: germline.
Comment: For these reasons, this variant has been classified as Pathogenic. ClinVar contains an entry for this variant (Variation ID: 48081). This variant has not been reported in the literature in individuals affected with LMNA-related conditions. This variant is not present in population databases (gnomAD no frequency). This sequence change creates a premature translational stop signal (p.Glu262*) in the LMNA gene. It is expected to result in an absent or disrupted protein product. Loss-of-function variants in LMNA are known to be pathogenic (PMID: 18585512, 18926329).

Laboratory for Molecular Medicine, Mass General Brigham Personalized Medicine
Classification: Likely pathogenic for Primary dilated cardiomyopathy. Last evaluated: 2012-09-26. Review status: criteria provided, single submitter. Criteria: LMM Criteria. Collection method: clinical testing. Allele origin: germline. Inheritance: Autosomal dominant inheritance. Observed: 1 variant allele.
Comment: The Glu262X variant in LMNA has not been reported in the literature nor previous ly identified by our laboratory. This variant has not been identified in large a nd broad European American and African American populations by NHLBI Exome Seque ncing Project. This nonsense variant leads to a premature termination codon at position 262, which is predicted to lead to a truncated or absent protein. Variants in LMNA have been identified in a range of disorders including dilated cardiomyopathy with or without conduction system di sease and/or skeletal myopathy and other variants resulting in a loss of functio n of the LMNA gene are established pathogenic variants. In summary, this variant is likely to be pathogenic, but additional studies are needed to fully establis h its clinical significance.

Literature cited by the submitters: PubMed 37767697 (cited by Ambry Genetics); PubMed 18585512 (cited by Labcorp Genetics (formerly Invitae), Labcorp); PubMed 18926329 (cited by Labcorp Genetics (formerly Invitae), Labcorp); PubMed 11138304 (cited by Laboratory for Molecular Medicine, Mass General Brigham Personalized Medicine).

NM_170707.4(LMNA):c.784G>T (p.Glu262Ter)

Gene: LMNA (lamin A/C; plus strand). Cytogenetic location: 1q22.
Variant type: single nucleotide variant.
Coding change: c.784G>T on transcript NM_170707.4 (MANE Select); coding-DNA position 784, G replaced by T.
Protein change: p.Glu262Ter; replaces glutamic acid 262 with a stop codon.
Molecular consequence: nonsense.
Genome position (GRCh38, 1-based): chr1:156,134,949, G>T. VCF-style: chr1-156134949-G-T. GRCh37 (hg19) VCF-style: chr1-156104740-G-T.
Other names: c.448G>T, p.Glu150Ter (NM_001257374.3); c.541G>T, p.Glu181Ter (NM_001282624.2); c.784G>T, p.Glu262Ter (NM_001282625.2, NM_001282626.2, NM_005572.4 and 1 more transcripts); short protein forms E262*, E181*, E150*.
Identifiers: ClinVar variation 48081 (VCV000048081.8), dbSNP rs397517909, ClinGen allele CA018633.